The following is an entry in ClinVar:

ClinVar aggregate classification (germline): Likely benign (1 of 4 stars; one submission).

Allele frequency attached by ClinVar (database versions not stated): gnomAD 0.00001; gnomAD exomes 0.00001; TOPMed 0.00001.
gnomAD v4.1: 9 of 1,612,630 alleles (0.00056%); highest among the groups gnomAD compares: Non-Finnish European, 0.00042%; no homozygotes.

Submission:

CeGaT Center for Human Genetics Tuebingen
Classification: Likely benign. Last evaluated: 2022-08-01. Review status: criteria provided, single submitter. Criteria: CeGaT Center For Human Genetics Tuebingen Variant Classification Criteria Version 2. Collection method: clinical testing. Allele origin: germline. Affected: yes. Observed: 1 variant allele.
Comment: PTK7: BP4, BP7

NM_002821.5(PTK7):c.1797G>A (p.Glu599=)

Gene: PTK7 (protein tyrosine kinase 7 (inactive); plus strand). Cytogenetic location: 6p21.1.
Variant type: single nucleotide variant.
Coding change: c.1797G>A on transcript NM_002821.5 (MANE Select); coding-DNA position 1797, G replaced by A.
Protein change: p.Glu599=; no amino-acid change (glutamic acid 599 retained).
Molecular consequence: synonymous variant. On other transcripts: non-coding transcript variant (2).
Genome position (GRCh38, 1-based): chr6:43,141,959, G>A. VCF-style: chr6-43141959-G-A. GRCh37 (hg19) VCF-style: chr6-43109697-G-A.
Other names: c.1821G>A, p.Glu607= (NM_001270398.2); c.1677G>A, p.Glu559= (NM_152880.4); c.1407G>A, p.Glu469= (NM_152881.4); c.1797G>A, p.Glu599= (NM_152882.4).
Identifiers: ClinVar variation 2656577 (VCV002656577.24), dbSNP rs1430995642, ClinGen allele CA450371663.
Genomic context (GRCh38, chr6:43,141,959, plus strand): 5'-TCCCTGCGCCTCGCTGGTCTCTTTTCTTCCAGTTTTTATCACCTTCAAAGTGGAACCAGA[G>A]CGTACGACTGTGTACCAGGGCCACACAGCCCTACTGCAGTGCGAGGCCCAGGGGGACCCC-3'
Protein context (NP_002812.2, residues 589-609): AVFITFKVEP[Glu599=]RTTVYQGHTA